The following is an entry in ClinVar:

NM_174916.3(UBR1):c.3156T>C (p.Tyr1052=)

Gene: UBR1 (ubiquitin protein ligase E3 component n-recognin 1; minus strand). Cytogenetic location: 15q15.2.
Variant type: single nucleotide variant.
Coding change: c.3156T>C on transcript NM_174916.3 (MANE Select); coding-DNA position 3156, T replaced by C.
Protein change: p.Tyr1052=; no amino-acid change (tyrosine 1052 retained).
Molecular consequence: synonymous variant.
Genome position (GRCh38, 1-based): chr15:43,015,741, A>G on the plus strand (T>C on the coding strand, the complement: UBR1 is on the minus strand). VCF-style: chr15-43015741-A-G. GRCh37 (hg19) VCF-style: chr15-43307939-A-G.
Other names: c.3156T>C (NM_174916.2).
Identifiers: ClinVar variation 2770359 (VCV002770359.5), dbSNP rs200843098, ClinGen allele CA7518244.

ClinVar aggregate classification (germline): Likely benign. Review status: criteria provided, single submitter (1 of 4 stars). 2 submissions from 2 submitters: Likely benign (1). 1 of the submissions does not count toward it. Last evaluated 2024-12-16.

Conditions:
UBR1-related disorder. Also called: UBR1-related condition.

Allele frequency attached by ClinVar (database versions not stated): ExAC 0.00006; gnomAD 0.00006; TOPMed 0.00006; gnomAD exomes 0.00011; 1000 Genomes Project 30x 0.00016; 1000 Genomes Project 0.00020.
gnomAD v4.1: 169 of 1,614,138 alleles (0.01%); highest among the groups gnomAD compares: Non-Finnish European, 0.014%; no homozygotes.

Submissions (2):

Labcorp Genetics (formerly Invitae), Labcorp
Classification: Likely benign. Last evaluated: 2024-12-16. Review status: criteria provided, single submitter. Criteria: Invitae Variant Classification Sherloc (09022015). Collection method: clinical testing. Allele origin: germline.

PreventionGenetics, part of Exact Sciences
Classification: Likely benign for UBR1-related condition. Last evaluated: 2019-09-10. Review status: no assertion criteria provided. Collection method: clinical testing. Allele origin: germline. Not counted in ClinVar's aggregate classification.
Comment: This variant is classified as likely benign based on ACMG/AMP sequence variant interpretation guidelines (Richards et al. 2015 PMID: 25741868, with internal and published modifications).